The following is an entry in ClinVar:

ClinVar aggregate classification (germline): Uncertain significance. Review status: criteria provided, multiple submitters, no conflicts (2 of 4 stars). 2 submissions from 2 submitters: Uncertain significance (2). Last evaluated 2024-10-16.

Allele frequency attached by ClinVar (database versions not stated): gnomAD exomes below 0.00001.
gnomAD v4.1: 2 of 1,614,180 alleles (0.00012%); highest among the groups gnomAD compares: Non-Finnish European, 0.00017%; no homozygotes.

Submissions (2):

Labcorp Genetics (formerly Invitae), Labcorp
Classification: Uncertain significance. Last evaluated: 2024-10-16. Review status: criteria provided, single submitter. Criteria: Invitae Variant Classification Sherloc (09022015). Collection method: clinical testing. Allele origin: germline.
Comment: This sequence change replaces glutamine, which is neutral and polar, with arginine, which is basic and polar, at codon 963 of the PRPF8 protein (p.Gln963Arg). This variant is present in population databases (no rsID available, gnomAD 0.0009%). This variant has not been reported in the literature in individuals affected with PRPF8-related conditions. ClinVar contains an entry for this variant (Variation ID: 1953870). Invitae Evidence Modeling of protein sequence and biophysical properties (such as structural, functional, and spatial information, amino acid conservation, physicochemical variation, residue mobility, and thermodynamic stability) indicates that this missense variant is not expected to disrupt PRPF8 protein function with a negative predictive value of 80%. In summary, the available evidence is currently insufficient to determine the role of this variant in disease. Therefore, it has been classified as a Variant of Uncertain Significance.

Blueprint Genetics
Classification: Uncertain significance. Last evaluated: 2020-03-06. Review status: criteria provided, single submitter. Criteria: ACMG Guidelines, 2015. Collection method: clinical testing. Allele origin: germline.

NM_006445.4(PRPF8):c.2888A>G (p.Gln963Arg)

Gene: PRPF8 (pre-mRNA processing factor 8; minus strand). Cytogenetic location: 17p13.3.
Variant type: single nucleotide variant.
Coding change: c.2888A>G on transcript NM_006445.4 (MANE Select); coding-DNA position 2888, A replaced by G.
Protein change: p.Gln963Arg; replaces glutamine 963 with arginine.
Molecular consequence: missense variant.
Genome position (GRCh38, 1-based): chr17:1,675,324, T>C on the plus strand (A>G on the coding strand, the complement: PRPF8 is on the minus strand). VCF-style: chr17-1675324-T-C. GRCh37 (hg19) VCF-style: chr17-1578618-T-C.
Other names: short protein forms Q963R.
Identifiers: ClinVar variation 1953870 (VCV001953870.6), dbSNP rs1332508333, ClinGen allele CA397545163.